The following is an entry in ClinVar:

NM_003126.4(SPTA1):c.4702T>C (p.Cys1568Arg)

Gene: SPTA1 (spectrin alpha, erythrocytic 1; minus strand). Cytogenetic location: 1q23.1.
Variant type: single nucleotide variant.
Coding change: c.4702T>C on transcript NM_003126.4 (MANE Select); coding-DNA position 4702, T replaced by C.
Protein change: p.Cys1568Arg; replaces cysteine 1568 with arginine.
Molecular consequence: missense variant.
Genome position (GRCh38, 1-based): chr1:158,642,446, A>G on the plus strand (T>C on the coding strand, the complement: SPTA1 is on the minus strand). VCF-style: chr1-158642446-A-G. GRCh37 (hg19) VCF-style: chr1-158612236-A-G.
Other names: short protein forms C1568R.
Identifiers: ClinVar variation 258942 (VCV000258942.37), dbSNP rs863931, ClinGen allele CA1182595.
Genomic context (GRCh38, chr1:158,642,446, plus strand): 5'-GCCCAAAACTCATCCTGAGCTTTACCTTCATGGCCTCTTCATTGCCATCACAAGCGCTAC[A>G]CTCAATCAGGGAGTTCCCCAGGTTGATGACGCCATGCACCTGCTCAGATCGGCCATCGAC-3'
Protein context (NP_003117.2, residues 1558-1578): VINLGNSLIE[Cys1568Arg]SACDGNEEAM

ClinVar aggregate classification (germline): Benign/Likely benign. Review status: criteria provided, multiple submitters, no conflicts (2 of 4 stars). 15 submissions from 11 submitters: Benign (12); Likely benign (1). 2 of the submissions do not count toward it. Last evaluated 2026-02-03.

Conditions:
Hereditary spherocytosis type 3. Also called: Spherocytosis type 3; SPTA1-Related Spherocytosis. Identifiers: Orphanet 822, MedGen C2678338, MONDO:0010053, OMIM 270970.
Elliptocytosis 2 (EL2). Also called: ELLIPTOCYTOSIS, RHESUS-UNLINKED TYPE. Identifiers: Orphanet 288, MedGen C1851741, MONDO:0007533, OMIM 130600.
Pyropoikilocytosis, hereditary. Also called: Pyropoikilocytosis. Identifiers: MedGen C0520739, MONDO:0009948, OMIM 266140, HP:0004839. Disease mechanism: loss of function.

Allele frequency attached by ClinVar (database versions not stated): gnomAD exomes 0.56693; 1000 Genomes Project 0.59405; 1000 Genomes Project 30x 0.59822; ESP Exome Variant Server 0.59956; gnomAD 0.60365 and 0.60775; TOPMed 0.60469.
gnomAD v4.1: 921,240 of 1,613,184 alleles (57%); highest among the groups gnomAD compares: African/African-American, 67%; 264,753 homozygotes.

Submissions (15):

Labcorp Genetics (formerly Invitae), Labcorp
Classification: Benign. Last evaluated: 2026-02-03. Review status: criteria provided, single submitter. Criteria: Invitae Variant Classification Sherloc (09022015). Collection method: clinical testing. Allele origin: germline.

ARUP Laboratories, Molecular Genetics and Genomics, ARUP Laboratories
Classification: Benign. Last evaluated: 2025-07-31. Review status: criteria provided, single submitter. Criteria: ARUP Molecular Germline Variant Investigation Process 2024. Collection method: clinical testing. Allele origin: germline.

Blueprint Genetics
Classification: Likely benign. Last evaluated: 2024-11-26. Review status: criteria provided, single submitter. Criteria: ACMG Guidelines, 2015. Collection method: clinical testing. Allele origin: germline.

Genome-Nilou Lab
Classification: Benign for Pyropoikilocytosis, hereditary. Last evaluated: 2021-07-15. Review status: criteria provided, single submitter. Criteria: ACMG Guidelines, 2015. Collection method: clinical testing. Allele origin: germline. Affected: no.

Genome-Nilou Lab
Classification: Benign for Hereditary spherocytosis type 3. Last evaluated: 2021-07-15. Review status: criteria provided, single submitter. Criteria: ACMG Guidelines, 2015. Collection method: clinical testing. Allele origin: germline. Affected: no.

Genome-Nilou Lab
Classification: Benign for Elliptocytosis 2. Last evaluated: 2021-07-15. Review status: criteria provided, single submitter. Criteria: ACMG Guidelines, 2015. Collection method: clinical testing. Allele origin: germline. Affected: no.

GeneDx
Classification: Benign. Last evaluated: 2018-11-12. Review status: criteria provided, single submitter. Criteria: GeneDx Variant Classification Process June 2021. Collection method: clinical testing. Allele origin: germline. Affected: yes.

Illumina Laboratory Services, Illumina
Classification: Benign for Elliptocytosis 2. Last evaluated: 2018-01-13. Review status: criteria provided, single submitter. Criteria: ICSL Variant Classification Criteria 13 December 2019. Collection method: clinical testing. Allele origin: germline.
Comment: This variant was observed in the ICSL laboratory as part of a predisposition screen in an ostensibly healthy population. It had not been previously curated by ICSL or reported in the Human Gene Mutation Database (HGMD: prior to June 1st, 2018), and was therefore a candidate for classification through an automated scoring system. Utilizing variant allele frequency, disease prevalence and penetrance estimates, and inheritance mode, an automated score was calculated to assess if this variant is too frequent to cause the disease. Based on the score and internal cut-off values, a variant classified as benign is not then subjected to further curation. The score for this variant resulted in a classification of benign for this disease.

Illumina Laboratory Services, Illumina
Classification: Benign for Hereditary spherocytosis type 3. Last evaluated: 2018-01-13. Review status: criteria provided, single submitter. Criteria: ICSL Variant Classification Criteria 13 December 2019. Collection method: clinical testing. Allele origin: germline.
Comment: the same text as in the submission from Illumina Laboratory Services, Illumina above.

Illumina Laboratory Services, Illumina
Classification: Benign for Pyropoikilocytosis, hereditary. Last evaluated: 2018-01-13. Review status: criteria provided, single submitter. Criteria: ICSL Variant Classification Criteria 13 December 2019. Collection method: clinical testing. Allele origin: germline.
Comment: the same text as in the submission from Illumina Laboratory Services, Illumina above.

Mayo Clinic Laboratories, Mayo Clinic
Classification: Benign. Last evaluated: 2016-04-16. Review status: criteria provided, single submitter. Criteria: ACMG Guidelines, 2015. Collection method: clinical testing. Allele origin: germline. Observed: 1,969 variant alleles.

Breakthrough Genomics
Classification: Benign. Review status: criteria provided, single submitter. Criteria: ACMG Guidelines, 2015. Collection method: not provided. Allele origin: germline. Inheritance: Autosomal recessive inheritance. Affected: yes.

PreventionGenetics, part of Exact Sciences
Classification: Benign. Review status: criteria provided, single submitter. Criteria: ACMG Guidelines, 2015. Collection method: clinical testing. Allele origin: germline.

Diagnostic Laboratory, Department of Genetics, University Medical Center Groningen
Classification: Benign. Review status: no assertion criteria provided. Collection method: clinical testing. Allele origin: germline. Affected: yes. Study: VKGL Data-share Consensus. Not counted in ClinVar's aggregate classification.

Genome Diagnostics Laboratory, University Medical Center Utrecht
Classification: Benign. Review status: no assertion criteria provided. Collection method: clinical testing. Allele origin: germline. Affected: yes. Study: VKGL Data-share Consensus. Not counted in ClinVar's aggregate classification.